The following is an entry in ClinVar:

NM_001282680.3(GAPVD1):c.2830C>T (p.Pro944Ser)

Gene: GAPVD1 (GTPase activating protein and VPS9 domains 1; plus strand). Cytogenetic location: 9q33.3.
Variant type: single nucleotide variant.
Coding change: c.2830C>T on transcript NM_001282680.3 (MANE Select); coding-DNA position 2830, C replaced by T.
Protein change: p.Pro944Ser; replaces proline 944 with serine.
Molecular consequence: missense variant. On other transcripts: non-coding transcript variant (2).
Genome position (GRCh38, 1-based): chr9:125,337,544, C>T. VCF-style: chr9-125337544-C-T. GRCh37 (hg19) VCF-style: chr9-128099823-C-T.
Other names: c.2830C>T, p.Pro944Ser (NM_001282679.2, NM_001330778.3, NM_001354294.2 and 4 more transcripts); c.2767C>T, p.Pro923Ser (NM_001282681.3, NM_001330777.3, NM_001354297.2 and 1 more transcripts); c.2911C>T, p.Pro971Ser (NM_001354298.2, NM_015635.4); c.2911C>T (NM_015635.3); short protein forms P923S, P944S, P971S.
Identifiers: ClinVar variation 3024816 (VCV003024816.23), dbSNP rs146957648, ClinGen allele CA5240545.

ClinVar aggregate classification (germline): Likely benign. Review status: criteria provided, single submitter (1 of 4 stars). 2 submissions from 2 submitters: Likely benign (1). 1 of the submissions does not count toward it. Last evaluated 2024-06-01.

Conditions:
GAPVD1-related disorder. Also called: GAPVD1-related condition.

Allele frequency attached by ClinVar (database versions not stated): 1000 Genomes Project 30x 0.00094; 1000 Genomes Project 0.00100; TOPMed 0.00171; ExAC 0.00233; gnomAD 0.00234; ESP Exome Variant Server 0.00261; gnomAD exomes 0.00341.
gnomAD v4.1: 5,281 of 1,613,900 alleles (0.33%); highest among the groups gnomAD compares: Non-Finnish European, 0.4%; 20 homozygotes.

Submissions (2):

CeGaT Center for Human Genetics Tuebingen
Classification: Likely benign. Last evaluated: 2024-06-01. Review status: criteria provided, single submitter. Criteria: CeGaT Center For Human Genetics Tuebingen Variant Classification Criteria Version 2. Collection method: clinical testing. Allele origin: germline. Affected: yes. Observed: 3 variant alleles.
Comment: GAPVD1: BS2

PreventionGenetics, part of Exact Sciences
Classification: Likely benign for GAPVD1-related condition. Last evaluated: 2020-10-01. Review status: no assertion criteria provided. Collection method: clinical testing. Allele origin: germline. Not counted in ClinVar's aggregate classification.
Comment: This variant is classified as likely benign based on ACMG/AMP sequence variant interpretation guidelines (Richards et al. 2015 PMID: 25741868, with internal and published modifications).